The following is an entry in ClinVar:

NM_019055.6(ROBO4):c.546C>T (p.Pro182=)

Gene: ROBO4 (roundabout guidance receptor 4; minus strand). Cytogenetic location: 11q24.2.
Variant type: single nucleotide variant.
Coding change: c.546C>T on transcript NM_019055.6 (MANE Select); coding-DNA position 546, C replaced by T.
Protein change: p.Pro182=; no amino-acid change (proline 182 retained).
Molecular consequence: synonymous variant.
Genome position (GRCh38, 1-based): chr11:124,896,525, G>A on the plus strand (C>T on the coding strand, the complement: ROBO4 is on the minus strand). VCF-style: chr11-124896525-G-A. GRCh37 (hg19) VCF-style: chr11-124766421-G-A.
Other names: c.546C>T (NM_019055.5); c.111C>T, p.Pro37= (NM_001301088.2).
Identifiers: ClinVar variation 1285164 (VCV001285164.34), dbSNP rs143174483, ClinGen allele CA6345295.
Genomic context (GRCh38, chr11:124,896,525, plus strand): 5'-AGGTCTGCCCAGGCCAGGATGAAGTGTGGGGGAGGGGGCCACACTTACTGTGTGCCTTCC[G>A]GGCTGGAGGGCCAGGGGTTTCCCATCTTTCCACCATGAGACTGTGGGCTCTGGGTGGCCC-3'
Protein context (NP_061928.4, residues 172-192): WKDGKPLALQ[Pro182=]GRHTVSGGSL

ClinVar aggregate classification (germline): Benign/Likely benign. Review status: criteria provided, multiple submitters, no conflicts (2 of 4 stars). 6 submissions from 6 submitters: Benign (1); Likely benign (2). 3 of the submissions do not count toward it. Last evaluated 2026-08-01.

Conditions:
ROBO4-related disorder. Also called: ROBO4-related condition.
Familial thoracic aortic aneurysm and aortic dissection (TAAD). Also called: Thoracic aortic aneurysms and dissections. Identifiers: Orphanet 91387, MedGen C4707243, MONDO:0019625.

Allele frequency attached by ClinVar (database versions not stated): 1000 Genomes Project 30x 0.00141; 1000 Genomes Project 0.00160; ExAC 0.00370; gnomAD 0.00376 and 0.00381; gnomAD exomes 0.00387; ESP Exome Variant Server 0.00400.
gnomAD v4.1: 8,111 of 1,614,048 alleles (0.5%); highest among the groups gnomAD compares: Non-Finnish European, 0.57%; 28 homozygotes.

Submissions (6):

CeGaT Center for Human Genetics Tuebingen
Classification: Likely benign. Last evaluated: 2026-08-01. Review status: criteria provided, single submitter. Criteria: CeGaT Center For Human Genetics Tuebingen Variant Classification Criteria Version 2. Collection method: clinical testing. Allele origin: germline. Affected: yes. Observed: 6 variant alleles.
Comment: ROBO4: BP4, BP7, BS2

Blueprint Genetics
Classification: Likely benign. Last evaluated: 2024-11-22. Review status: criteria provided, single submitter. Criteria: ACMG Guidelines, 2015. Collection method: clinical testing. Allele origin: germline.

CHEO Genetics Diagnostic Laboratory, Children's Hospital of Eastern Ontario
Classification: Benign for Familial thoracic aortic aneurysm and aortic dissection. Last evaluated: 2022-11-24. Review status: criteria provided, single submitter. Criteria: ACMG Guidelines, 2015. Collection method: clinical testing. Allele origin: germline.

PreventionGenetics, part of Exact Sciences
Classification: Benign for ROBO4-related condition. Last evaluated: 2019-06-26. Review status: no assertion criteria provided. Collection method: clinical testing. Allele origin: germline. Not counted in ClinVar's aggregate classification.
Comment: This variant is classified as benign based on ACMG/AMP sequence variant interpretation guidelines (Richards et al. 2015 PMID: 25741868, with internal and published modifications).

Clinical Genetics DNA and cytogenetics Diagnostics Lab, Erasmus MC, Erasmus Medical Center
Classification: Likely benign. Review status: no assertion criteria provided. Collection method: clinical testing. Allele origin: germline. Affected: yes. Study: VKGL Data-share Consensus. Not counted in ClinVar's aggregate classification.

Genome Diagnostics Laboratory, University Medical Center Utrecht
Classification: Benign. Review status: no assertion criteria provided. Collection method: clinical testing. Allele origin: germline. Affected: yes. Study: VKGL Data-share Consensus. Not counted in ClinVar's aggregate classification.